The following is an entry in ClinVar:

NM_001384317.1(ZHX3):c.787G>A (p.Val263Ile)

Gene: ZHX3 (zinc fingers and homeoboxes 3; minus strand). Cytogenetic location: 20q12.
Variant type: single nucleotide variant.
Coding change: c.787G>A on transcript NM_001384317.1 (MANE Select); coding-DNA position 787, G replaced by A.
Protein change: p.Val263Ile; replaces valine 263 with isoleucine.
Molecular consequence: missense variant.
Genome position (GRCh38, 1-based): chr20:41,204,130, C>T on the plus strand (G>A on the coding strand, the complement: ZHX3 is on the minus strand). VCF-style: chr20-41204130-C-T. GRCh37 (hg19) VCF-style: chr20-39832770-C-T.
Other names: c.787G>A, p.Val263Ile (NM_001384315.1, NM_001384316.1, NM_001384318.1 and 8 more transcripts); short protein forms V263I.
Identifiers: ClinVar variation 1430040 (VCV001430040.8), dbSNP rs200760278, ClinGen allele CA9860056.

ClinVar aggregate classification (germline): Uncertain significance (1 of 4 stars; one submission).

Allele frequency attached by ClinVar (database versions not stated): gnomAD 0.00006 and 0.00007; TOPMed 0.00006; gnomAD exomes 0.00007 and 0.00011; ExAC 0.00009.

Submission:

Labcorp Genetics (formerly Invitae), Labcorp
Classification: Uncertain significance. Last evaluated: 2025-06-12. Review status: criteria provided, single submitter. Criteria: Invitae Variant Classification Sherloc (09022015). Collection method: clinical testing. Allele origin: germline.
Comment: This sequence change replaces valine, which is neutral and non-polar, with isoleucine, which is neutral and non-polar, at codon 263 of the ZHX3 protein (p.Val263Ile). This variant is present in population databases (rs200760278, gnomAD 0.01%). This variant has not been reported in the literature in individuals affected with ZHX3-related conditions. ClinVar contains an entry for this variant (Variation ID: 1430040). An algorithm developed to predict the effect of missense changes on protein structure and function (PolyPhen-2) suggests that this variant is likely to be tolerated. In summary, the available evidence is currently insufficient to determine the role of this variant in disease. Therefore, it has been classified as a Variant of Uncertain Significance.